The following is an entry in ClinVar:

ClinVar aggregate classification (germline): Uncertain significance (1 of 4 stars; one submission).

Conditions:
X-linked myopathy with postural muscle atrophy. Also called: FHL1-Related Emery-Dreifuss Muscular Dystrophy, X-Linked. Identifiers: Orphanet 178461, MedGen C2678055, MONDO:0010401, OMIM 300696.

Submission:

Labcorp Genetics (formerly Invitae), Labcorp
Classification: Uncertain significance for X-linked myopathy with postural muscle atrophy. Last evaluated: 2020-06-15. Review status: criteria provided, single submitter. Criteria: Invitae Variant Classification Sherloc (09022015). Collection method: clinical testing. Allele origin: germline.
Comment: This sequence change replaces cysteine with arginine at codon 40 of the FHL1 protein (p.Cys40Arg). The cysteine residue is highly conserved and there is a large physicochemical difference between cysteine and arginine. This variant is not present in population databases (ExAC no frequency). This variant has not been reported in the literature in individuals with FHL1-related conditions. Algorithms developed to predict the effect of missense changes on protein structure and function (SIFT, PolyPhen-2, Align-GVGD) all suggest that this variant is likely to be disruptive, but these predictions have not been confirmed by published functional studies and their clinical significance is uncertain. In summary, the available evidence is currently insufficient to determine the role of this variant in disease. Therefore, it has been classified as a Variant of Uncertain Significance.

NM_001159699.2(FHL1):c.166T>C (p.Cys56Arg)

Gene: FHL1 (four and a half LIM domains 1; plus strand). Cytogenetic location: Xq26.3.
Variant type: single nucleotide variant.
Coding change: c.166T>C on transcript NM_001159699.2 (MANE Select); coding-DNA position 166, T replaced by C.
Protein change: p.Cys56Arg; replaces cysteine 56 with arginine.
Molecular consequence: missense variant. On other transcripts: non-coding transcript variant (1).
Genome position (GRCh38, 1-based): chrX:136,206,550, T>C. VCF-style: chrX-136206550-T-C. GRCh37 (hg19) VCF-style: chrX-135288709-T-C.
Other names: c.118T>C, p.Cys40Arg (NM_001159700.2, NM_001369327.2, NM_001369328.1 and 9 more transcripts); c.205T>C, p.Cys69Arg (NM_001159701.2); c.166T>C, p.Cys56Arg (NM_001330659.2); short protein forms C40R, C56R, C69R.
Identifiers: ClinVar variation 1056373 (VCV001056373.9), dbSNP rs2148371880, ClinGen allele CA414607779.